The following is an entry in ClinVar:

ClinVar aggregate classification (germline): Conflicting classifications of pathogenicity. Review status: criteria provided, conflicting classifications (1 of 4 stars). 9 submissions from 9 submitters: Uncertain significance (1); Benign (2); Likely benign (5). 1 of the submissions does not count toward it. Last evaluated 2026-09-01.

Conditions:
SPTAN1-related disorder. Also called: SPTAN1-related condition; SPTAN1-related disorders.
Early-infantile DEE. Also called: Early infantile epileptic encephalopathy with suppression bursts; Ohtahara syndrome; Early infantile epileptic encephalopathy. Identifiers: Orphanet 1934, MedGen C0393706, MONDO:0800491.
Inborn genetic diseases. Identifiers: MedGen C0950123, MeSH D030342.
Developmental and epileptic encephalopathy, 5 (DEE5). Identifiers: Orphanet 3451, MedGen C3150731, MONDO:0013277, OMIM 613477.

Allele frequency attached by ClinVar (database versions not stated): 1000 Genomes Project 0.00020; 1000 Genomes Project 30x 0.00031; gnomAD 0.00038; gnomAD exomes 0.00041 and 0.00054; ExAC 0.00044; TOPMed 0.00046; ESP Exome Variant Server 0.00108.
gnomAD v4.1: 843 of 1,614,182 alleles (0.052%); highest among the groups gnomAD compares: Non-Finnish European, 0.065%; no homozygotes.

Submissions (16):

CeGaT Center for Human Genetics Tuebingen
Classification: Likely benign. Last evaluated: 2026-09-01. Review status: criteria provided, single submitter. Criteria: CeGaT Center For Human Genetics Tuebingen Variant Classification Criteria Version 2. Collection method: clinical testing. Allele origin: germline. Affected: yes. Observed: 9 variant alleles.
Comment: SPTAN1: PP2, BS2

Labcorp Genetics (formerly Invitae), Labcorp
Classification: Likely benign for Early-infantile DEE. Last evaluated: 2026-02-02. Review status: criteria provided, single submitter. Criteria: Invitae Variant Classification Sherloc (09022015). Collection method: clinical testing. Allele origin: germline.

Blueprint Genetics
Classification: Likely benign. Last evaluated: 2024-10-25. Review status: criteria provided, single submitter. Criteria: ACMG Guidelines, 2015. Collection method: clinical testing. Allele origin: germline.

Ambry Genetics
Classification: Likely benign for Inborn genetic diseases. Last evaluated: 2022-01-06. Review status: criteria provided, single submitter. Criteria: Ambry Variant Classification Scheme 2023. Collection method: clinical testing. Allele origin: germline.

Genome-Nilou Lab
Classification: Benign for Developmental and epileptic encephalopathy, 5. Last evaluated: 2021-07-15. Review status: criteria provided, single submitter. Criteria: ACMG Guidelines, 2015. Collection method: clinical testing. Allele origin: germline. Affected: no.

GeneDx
Classification: Benign. Last evaluated: 2019-01-07. Review status: criteria provided, single submitter. Criteria: GeneDx Variant Classification Process June 2021. Collection method: clinical testing. Allele origin: germline. Affected: yes.

Athena Diagnostics
Classification: Likely benign. Last evaluated: 2018-07-10. Review status: criteria provided, single submitter. Criteria: Athena Diagnostics Criteria. Collection method: clinical testing. Allele origin: germline.

Eurofins Ntd Llc (ga)
Classification: Uncertain significance. Last evaluated: 2014-07-16. Review status: criteria provided, single submitter. Criteria: EGL Classification Definitions 2015. Collection method: clinical testing. Allele origin: germline. Observed: 3 variant alleles, 3 heterozygotes.

PreventionGenetics, part of Exact Sciences
Classification: Likely benign for SPTAN1-related condition. Last evaluated: 2020-09-10. Review status: no assertion criteria provided. Collection method: clinical testing. Allele origin: germline. Not counted in ClinVar's aggregate classification.
Comment: This variant is classified as likely benign based on ACMG/AMP sequence variant interpretation guidelines (Richards et al. 2015 PMID: 25741868, with internal and published modifications).

Dr. Peter K. Rogan Lab, Western University
No classification provided (evidence only). Condition: Clear cell carcinoma of kidney. Review status: no classification provided. Collection method: in vitro. Allele origin: not applicable. Functional consequence: retained intron. Not counted in ClinVar's aggregate classification.

Dr. Peter K. Rogan Lab, Western University
No classification provided (evidence only). Condition: Clear cell carcinoma of kidney. Review status: no classification provided. Collection method: in vitro. Allele origin: not applicable. Functional consequence: retained intron. Not counted in ClinVar's aggregate classification.

Dr. Peter K. Rogan Lab, Western University
No classification provided (evidence only). Condition: Melanoma. Review status: no classification provided. Collection method: in vitro. Allele origin: not applicable. Functional consequence: retained intron. Not counted in ClinVar's aggregate classification.

Dr. Peter K. Rogan Lab, Western University
No classification provided (evidence only). Condition: Familial cancer of breast. Review status: no classification provided. Collection method: in vitro. Allele origin: not applicable. Functional consequence: retained intron. Not counted in ClinVar's aggregate classification.

Dr. Peter K. Rogan Lab, Western University
No classification provided (evidence only). Condition: Colon adenocarcinoma. Review status: no classification provided. Collection method: in vitro. Allele origin: not applicable. Functional consequence: retained intron. Not counted in ClinVar's aggregate classification.

Dr. Peter K. Rogan Lab, Western University
No classification provided (evidence only). Condition: Thymoma. Review status: no classification provided. Collection method: in vitro. Allele origin: not applicable. Functional consequence: retained intron. Not counted in ClinVar's aggregate classification.

Dr. Peter K. Rogan Lab, Western University
No classification provided (evidence only). Condition: Gastric cancer. Review status: no classification provided. Collection method: in vitro. Allele origin: not applicable. Functional consequence: retained intron. Not counted in ClinVar's aggregate classification.

NM_001130438.3(SPTAN1):c.4580A>G (p.Asn1527Ser)

Gene: SPTAN1 (spectrin alpha, non-erythrocytic 1; plus strand). Cytogenetic location: 9q34.11.
Variant type: single nucleotide variant.
Coding change: c.4580A>G on transcript NM_001130438.3 (MANE Select); coding-DNA position 4580, A replaced by G.
Protein change: p.Asn1527Ser; replaces asparagine 1527 with serine.
Molecular consequence: missense variant.
Genome position (GRCh38, 1-based): chr9:128,608,962, A>G. VCF-style: chr9-128608962-A-G. GRCh37 (hg19) VCF-style: chr9-131371241-A-G.
Other names: p.N1527S:AAT>AGT; c.4520A>G, p.Asn1507Ser (NM_001195532.2, NM_001363765.2); c.4580A>G, p.Asn1527Ser (NM_001363759.2, NM_003127.4); short protein forms N1527S, N1507S.
Identifiers: ClinVar variation 196941 (VCV000196941.52), dbSNP rs145038571, ClinGen allele CA244765.